The following is an entry in ClinVar:

NM_004928.3(CFAP410):c.655G>C (p.Ala219Pro)

Gene: CFAP410 (cilia and flagella associated protein 410; minus strand). Cytogenetic location: 21q22.3.
Variant type: single nucleotide variant.
Coding change: c.655G>C on transcript NM_004928.3 (MANE Select); coding-DNA position 655, G replaced by C.
Protein change: p.Ala219Pro; replaces alanine 219 with proline.
Molecular consequence: missense variant.
Genome position (GRCh38, 1-based): chr21:44,330,314, C>G on the plus strand (G>C on the coding strand, the complement: CFAP410 is on the minus strand). VCF-style: chr21-44330314-C-G. GRCh37 (hg19) VCF-style: chr21-45750197-C-G.
Other names: c.652G>C, p.Ala218Pro (NM_001271440.2); c.1012G>C, p.Ala338Pro (NM_001271441.2); c.529G>C, p.Ala177Pro (NM_001271442.1); short protein forms A218P, A338P, A219P, A177P.
Identifiers: ClinVar variation 1368489 (VCV001368489.8), dbSNP rs2146053991, ClinGen allele CA410448576.

ClinVar aggregate classification (germline): Uncertain significance (1 of 4 stars; one submission).

Submission:

Labcorp Genetics (formerly Invitae), Labcorp
Classification: Uncertain significance. Last evaluated: 2022-07-19. Review status: criteria provided, single submitter. Criteria: Invitae Variant Classification Sherloc (09022015). Collection method: clinical testing. Allele origin: germline.
Comment: In summary, the available evidence is currently insufficient to determine the role of this variant in disease. Therefore, it has been classified as a Variant of Uncertain Significance. Algorithms developed to predict the effect of missense changes on protein structure and function (SIFT, PolyPhen-2, Align-GVGD) all suggest that this variant is likely to be disruptive. ClinVar contains an entry for this variant (Variation ID: 1368489). This variant has not been reported in the literature in individuals affected with CFAP410-related conditions. This variant is not present in population databases (gnomAD no frequency). This sequence change replaces alanine, which is neutral and non-polar, with proline, which is neutral and non-polar, at codon 219 of the CFAP410 protein (p.Ala219Pro).